The following is an entry in ClinVar:

ClinVar aggregate classification (germline): Uncertain significance. Review status: criteria provided, multiple submitters, no conflicts (2 of 4 stars). 3 submissions from 3 submitters: Uncertain significance (3). Last evaluated 2024-05-14.

Conditions:
Hereditary nonpolyposis colorectal neoplasms. Identifiers: MedGen C0009405, MeSH D003123.
Hereditary cancer-predisposing syndrome. Also called: Hereditary neoplastic syndrome; Tumor predisposition; Hereditary Cancer Syndrome; Neoplastic Syndromes, Hereditary. Identifiers: Orphanet 140162, MedGen C0027672, MeSH D009386, MONDO:0015356.

gnomAD v4.1: 1 of 1,614,100 alleles (0.000062%); highest among the groups gnomAD compares: Non-Finnish European, 0.000085%; no homozygotes.

Submissions (3):

Labcorp Genetics (formerly Invitae), Labcorp
Classification: Uncertain significance for Hereditary nonpolyposis colorectal neoplasms. Last evaluated: 2024-05-14. Review status: criteria provided, single submitter. Criteria: Invitae Variant Classification Sherloc (09022015). Collection method: clinical testing. Allele origin: germline.
Comment: This sequence change replaces arginine, which is basic and polar, with leucine, which is neutral and non-polar, at codon 1068 of the MSH6 protein (p.Arg1068Leu). This variant is not present in population databases (gnomAD no frequency). This variant has not been reported in the literature in individuals affected with MSH6-related conditions. ClinVar contains an entry for this variant (Variation ID: 219808). Advanced modeling of protein sequence and biophysical properties (such as structural, functional, and spatial information, amino acid conservation, physicochemical variation, residue mobility, and thermodynamic stability) performed at Invitae indicates that this missense variant is not expected to disrupt MSH6 protein function with a negative predictive value of 95%. In summary, the available evidence is currently insufficient to determine the role of this variant in disease. Therefore, it has been classified as a Variant of Uncertain Significance.

Ambry Genetics
Classification: Uncertain significance for Hereditary cancer-predisposing syndrome. Last evaluated: 2024-04-25. Review status: criteria provided, single submitter. Criteria: Ambry Variant Classification Scheme 2023. Collection method: clinical testing. Allele origin: germline.
Comment: The p.R1068L variant (also known as c.3203G>T), located in coding exon 5 of the MSH6 gene, results from a G to T substitution at nucleotide position 3203. The arginine at codon 1068 is replaced by leucine, an amino acid with dissimilar properties. This amino acid position is poorly conserved in available vertebrate species. In addition, this alteration is predicted to be tolerated by in silico analysis. Based on the available evidence, the clinical significance of this variant remains unclear.

GeneDx
Classification: Uncertain significance. Last evaluated: 2017-01-09. Review status: criteria provided, single submitter. Criteria: GeneDx Variant Classification (06012015). Collection method: clinical testing. Allele origin: germline. Affected: yes.
Comment: This variant is denoted MSH6 c.3203G>T at the cDNA level, p.Arg1068Leu (R1068L) at the protein level, and results in the change of an Arginine to a Leucine (CGA>CTA). This variant has not, to our knowledge, been published in the literature as pathogenic or benign. MSH6 Arg1068Leu was not observed in approximately 6,500 individuals of European and African American ancestry in the NHLBI Exome Sequencing Project, suggesting it is not a common benign variant in these populations. Since Arginine and Leucine differ in polarity, charge, size or other properties, this is considered a non-conservative amino acid substitution. MSH6 Arg1068Leu occurs at a position that is not conserved and is located within the MutS domain III (Terui 2013). In silico analyses predict that this variant is probably damaging to protein structure and function. Based on currently available evidence, it is unclear whether MSH6 Arg1068Leu is a pathogenic or benign variant. We consider it to be a variant of uncertain significance.

NM_000179.3(MSH6):c.3203G>T (p.Arg1068Leu)

Gene: MSH6 (mutS homolog 6; plus strand). Cytogenetic location: 2p16.3.
Variant type: single nucleotide variant.
Coding change: c.3203G>T on transcript NM_000179.3 (MANE Select); coding-DNA position 3203, G replaced by T.
Protein change: p.Arg1068Leu; replaces arginine 1068 with leucine.
Molecular consequence: missense variant.
Genome position (GRCh38, 1-based): chr2:47,803,450, G>T. VCF-style: chr2-47803450-G-T. GRCh37 (hg19) VCF-style: chr2-48030589-G-T.
Other names: c.2813G>T, p.Arg938Leu (NM_001281492.2); c.2297G>T, p.Arg766Leu (NM_001281493.2, NM_001281494.2); short protein forms R1068L, R766L, R938L.
Identifiers: ClinVar variation 219808 (VCV000219808.16), dbSNP rs398123230, ClinGen allele CA349867.